The following is an entry in ClinVar:

ClinVar aggregate classification (germline): Pathogenic (1 of 4 stars; one submission).

Conditions:
Long QT syndrome (LQTS). Identifiers: MedGen C0023976, MeSH D008133, MONDO:0002442. Disease mechanism: loss of function. Inheritance: Various modes of inheritance.

Submission:

Labcorp Genetics (formerly Invitae), Labcorp
Classification: Pathogenic for Long QT syndrome. Last evaluated: 2022-05-04. Review status: criteria provided, single submitter. Criteria: Invitae Variant Classification Sherloc (09022015). Collection method: clinical testing. Allele origin: germline.
Comment: This sequence change creates a premature translational stop signal (p.Thr443Serfs*71) in the KCNH2 gene. It is expected to result in an absent or disrupted protein product. Loss-of-function variants in KCNH2 are known to be pathogenic (PMID: 10973849, 19862833). This variant is not present in population databases (gnomAD no frequency). This variant has not been reported in the literature in individuals affected with KCNH2-related conditions. For these reasons, this variant has been classified as Pathogenic.

Literature cited by the submitters: PubMed 10973849; PubMed 19862833.

NM_000238.4(KCNH2):c.1326_1347del (p.Thr443fs)

Gene: KCNH2 (potassium voltage-gated channel subfamily H member 2; minus strand). Cytogenetic location: 7q36.1.
Variant type: Deletion.
Coding change: c.1326_1347del on transcript NM_000238.4 (MANE Select); coding-DNA positions 1326 to 1347, 22 bases deleted (TACCGAGTGTGGCTACGCCTGC).
Protein change: p.Thr443fs; shifts the reading frame from threonine 443.
Molecular consequence: frameshift variant.
Genome position (GRCh38, 1-based): chr7:150,952,635-150,952,656, GCAGGCGTAGCCACACTCGGTA deleted on the plus strand (TACCGAGTGTGGCTACGCCTGC on the coding strand, the reverse complement: KCNH2 is on the minus strand); deleting any 22 consecutive bases within chr7:150,952,635-150,952,663 gives the same sequence; the c. name uses the placement nearest the transcript's 3' end. VCF-style (leftmost placement, unchanged base first): chr7-150952634-GGCAGGCGTAGCCACACTCGGTA-G. GRCh37 (hg19) VCF-style: chr7-150649722-GGCAGGCGTAGCCACACTCGGTA-G.
Other names: c.306_327del, p.Thr103fs (NM_001204798.2, NM_172057.3); c.1031_1052del22, p.Thr347Serfs (NM_001406753.1, NM_001406756.1); c.1142_1163del22, p.Thr384Serfs (NM_001406755.1); c.1019_1040del22, p.Thr343Serfs (NM_001406757.1); c.1319_1340del22, p.Thr443Serfs (NM_172056.3); short protein forms T103fs, T443fs.
Identifiers: ClinVar variation 2133333 (VCV002133333.4), dbSNP rs2486048179, ClinGen allele CA2580077809.